The following is an entry in ClinVar:

ClinVar aggregate classification (germline): Likely benign. Review status: criteria provided, multiple submitters, no conflicts (2 of 4 stars). 5 submissions from 5 submitters: Likely benign (5). Last evaluated 2025-11-22.

Conditions:
SQSTM1-related disorder. Also called: SQSTM1-Related Disorders.
Frontotemporal dementia and/or amyotrophic lateral sclerosis 1 (FTDALS1). Also called: Frontotemporal dementia with motor neuron disease 1; C9orf72 Frontotemporal Dementia and/or Amyotrophic Lateral Sclerosis. Identifiers: Orphanet 275872, MedGen C5779877, MONDO:0007105, OMIM 105550.
Paget disease of bone 2, early-onset (PDB2). Also called: Paget disease of bone 2. Identifiers: MedGen C4085251, MONDO:0011183, OMIM 602080.

Allele frequency attached by ClinVar (database versions not stated): ExAC 0.00006; gnomAD exomes 0.00007 and 0.00015; ESP Exome Variant Server 0.00008; TOPMed 0.00009; gnomAD 0.00011 and 0.00013.
gnomAD v4.1: 232 of 1,614,142 alleles (0.014%); highest among the groups gnomAD compares: South Asian, 0.02%; no homozygotes.

Submissions (5):

Labcorp Genetics (formerly Invitae), Labcorp
Classification: Likely benign for Paget disease of bone 2, early-onset; Frontotemporal dementia and/or amyotrophic lateral sclerosis 1. Last evaluated: 2025-11-22. Review status: criteria provided, single submitter. Criteria: Invitae Variant Classification Sherloc (09022015). Collection method: clinical testing. Allele origin: germline.

Mayo Clinic Laboratories, Mayo Clinic
Classification: Likely benign. Last evaluated: 2025-04-22. Review status: criteria provided, single submitter. Criteria: ACMG Guidelines, 2015. Collection method: clinical testing. Allele origin: germline. Observed: 3 variant alleles.
Comment: BP4, BP7

CeGaT Center for Human Genetics Tuebingen
Classification: Likely benign. Last evaluated: 2023-08-01. Review status: criteria provided, single submitter. Criteria: CeGaT Center For Human Genetics Tuebingen Variant Classification Criteria Version 2. Collection method: clinical testing. Allele origin: germline. Affected: yes. Observed: 2 variant alleles.
Comment: SQSTM1: BP4, BP7

PreventionGenetics, part of Exact Sciences
Classification: Likely benign for SQSTM1-related condition. Last evaluated: 2022-06-08. Review status: criteria provided, single submitter. Criteria: ACMG Guidelines, 2015. Collection method: clinical testing. Allele origin: germline.
Comment: This variant is classified as likely benign based on ACMG/AMP sequence variant interpretation guidelines (Richards et al. 2015 PMID: 25741868, with internal and published modifications).

Athena Diagnostics
Classification: Likely benign. Last evaluated: 2018-06-26. Review status: criteria provided, single submitter. Criteria: Athena Diagnostics Criteria. Collection method: clinical testing. Allele origin: germline.

NM_003900.5(SQSTM1):c.1272C>T (p.Ile424=)

Gene: SQSTM1 (sequestosome 1; plus strand). Cytogenetic location: 5q35.3.
Variant type: single nucleotide variant.
Coding change: c.1272C>T on transcript NM_003900.5 (MANE Select); coding-DNA position 1272, C replaced by T.
Protein change: p.Ile424=; no amino-acid change (isoleucine 424 retained).
Molecular consequence: synonymous variant.
Genome position (GRCh38, 1-based): chr5:179,836,542, C>T. VCF-style: chr5-179836542-C-T. GRCh37 (hg19) VCF-style: chr5-179263542-C-T.
Other names: p.Ile424=; c.1020C>T, p.Ile340= (NM_001142298.2, NM_001142299.2).
Identifiers: ClinVar variation 542161 (VCV000542161.37), dbSNP rs374985304, ClinGen allele CA3600874.